The following is an entry in ClinVar:

NM_015057.5(MYCBP2):c.9032A>T (p.Asp3011Val)

Gene: MYCBP2 (MYC binding protein 2; minus strand). Cytogenetic location: 13q22.3.
Variant type: single nucleotide variant.
Coding change: c.9032A>T on transcript NM_015057.5 (MANE Select); coding-DNA position 9032, A replaced by T.
Protein change: p.Asp3011Val; replaces aspartic acid 3011 with valine.
Molecular consequence: missense variant.
Genome position (GRCh38, 1-based): chr13:77,098,122, T>A on the plus strand (A>T on the coding strand, the complement: MYCBP2 is on the minus strand). VCF-style: chr13-77098122-T-A. GRCh37 (hg19) VCF-style: chr13-77672257-T-A.
Other names: short protein forms D3011V.
Identifiers: ClinVar variation 2602628 (VCV002602628.3), dbSNP rs1358980856, ClinGen allele CA388389460.

ClinVar aggregate classification (germline): Uncertain significance. Review status: criteria provided, multiple submitters, no conflicts (2 of 4 stars). 2 submissions from 2 submitters: Uncertain significance (2). Last evaluated 2025-05-20.

Conditions:
Inborn genetic diseases. Identifiers: MedGen C0950123, MeSH D030342.
MYCBP2-related disorder. Also called: MYCBP2-related condition.

gnomAD v4.1: 2 of 1,613,608 alleles (0.00012%); highest among the groups gnomAD compares: East Asian, 0.0022%; no homozygotes.

Submissions (2):

PreventionGenetics, part of Exact Sciences
Classification: Uncertain significance for MYCBP2-related condition. Last evaluated: 2025-05-20. Review status: criteria provided, single submitter. Criteria: ACMG Guidelines, 2015. Collection method: clinical testing. Allele origin: germline.
Comment: The MYCBP2 c.9032A>T variant is predicted to result in the amino acid substitution p.Asp3011Val. To our knowledge, this variant has not been reported in the literature. This variant is absent in a large population database (gnomAD), indicating this variant is rare. At this time, the clinical significance of this variant is uncertain due to the absence of conclusive functional and genetic evidence.

Ambry Genetics
Classification: Uncertain significance for Inborn genetic diseases. Last evaluated: 2023-08-15. Review status: criteria provided, single submitter. Criteria: Ambry Variant Classification Scheme 2023. Collection method: clinical testing. Allele origin: germline.